The following is an entry in ClinVar:

ClinVar aggregate classification (germline): Pathogenic. Review status: criteria provided, single submitter (1 of 4 stars). 3 submissions from 3 submitters: Pathogenic (1). 2 of the submissions do not count toward it. Last evaluated 2025-06-11.

Conditions:
Autism spectrum disorder. Also called: Autism spectrum disorders. Identifiers: MedGen C1510586, MeSH D000067877, MONDO:0005258.
Intellectual developmental disorder, autosomal dominant 76. Identifiers: MedGen C6012756, MONDO:0979575, OMIM 621285.

Submissions (3):

GeneDx
Classification: Pathogenic. Last evaluated: 2025-06-11. Review status: criteria provided, single submitter. Criteria: GeneDx Variant Classification Process June 2021. Collection method: clinical testing. Allele origin: germline. Affected: yes.
Comment: Canonical splice site variant predicted to result in a null allele in a gene for which loss of function is a known mechanism of disease; Not observed at significant frequency in large population cohorts (gnomAD); This variant is associated with the following publications: (PMID: 39419027)

OMIM
Classification: Pathogenic for INTELLECTUAL DEVELOPMENTAL DISORDER, AUTOSOMAL DOMINANT 76. Last evaluated: 2025-07-25. Review status: no assertion criteria provided. Collection method: literature only. Allele origin: germline. Not counted in ClinVar's aggregate classification.

Department of Medical Genetics, Capital Institute of Pediatrics
Classification: Pathogenic for Autism Spectrum Disorder. Last evaluated: 2024-07-03. Review status: no assertion criteria provided. Collection method: research. Allele origin: de novo. Affected: yes. Not counted in ClinVar's aggregate classification.
Comment: PVS1+PM2_Supporting+PS2

Literature cited by the submitters: PubMed 39419027 (cited by OMIM and Department of Medical Genetics, Capital Institute of Pediatrics).

NM_001039469.3(MARK2):c.337+1G>T

Gene: MARK2 (microtubule affinity regulating kinase 2; plus strand). Cytogenetic location: 11q13.1.
Variant type: single nucleotide variant.
Coding change: c.337+1G>T on transcript NM_001039469.3 (MANE Select); the canonical splice donor site of the intron after coding-DNA position 337, G replaced by T.
Molecular consequence: splice donor variant.
Genome position (GRCh38, 1-based): chr11:63,898,281, G>T. VCF-style: chr11-63898281-G-T. GRCh37 (hg19) VCF-style: chr11-63665753-G-T.
Other names: c.337+1G>T (NM_001163296.2, NM_004954.5, NM_001163297.2); c.238+1G>T (NM_017490.4).
Identifiers: ClinVar variation 3253646 (VCV003253646.4), dbSNP rs2539313698.